The following is an entry in ClinVar:

ClinVar aggregate classification (germline): Uncertain significance (1 of 4 stars; one submission).

Submission:

Labcorp Genetics (formerly Invitae), Labcorp
Classification: Uncertain significance. Last evaluated: 2024-05-05. Review status: criteria provided, single submitter. Criteria: Invitae Variant Classification Sherloc (09022015). Collection method: clinical testing. Allele origin: germline.
Comment: This sequence change replaces proline, which is neutral and non-polar, with arginine, which is basic and polar, at codon 617 of the EMC1 protein (p.Pro617Arg). This variant is not present in population databases (gnomAD no frequency). This variant has not been reported in the literature in individuals affected with EMC1-related conditions. Advanced modeling of protein sequence and biophysical properties (such as structural, functional, and spatial information, amino acid conservation, physicochemical variation, residue mobility, and thermodynamic stability) performed at Invitae indicates that this missense variant is not expected to disrupt EMC1 protein function with a negative predictive value of 80%. In summary, the available evidence is currently insufficient to determine the role of this variant in disease. Therefore, it has been classified as a Variant of Uncertain Significance.

NM_015047.3(EMC1):c.1850C>G (p.Pro617Arg)

Genes: EMC1 (ER membrane protein complex subunit 1; minus strand), EMC1-AS1 (EMC1 antisense RNA 1; plus strand). Cytogenetic location: 1p36.13.
Variant type: single nucleotide variant.
Coding change: c.1850C>G on transcript NM_015047.3 (MANE Select); coding-DNA position 1850, C replaced by G.
Protein change: p.Pro617Arg; replaces proline 617 with arginine.
Molecular consequence: missense variant.
Genome position (GRCh38, 1-based): chr1:19,231,355, G>C on the plus strand (C>G on the coding strand, the complement: EMC1 is on the minus strand). VCF-style: chr1-19231355-G-C. GRCh37 (hg19) VCF-style: chr1-19557849-G-C.
Other names: c.1847C>G, p.Pro616Arg (NM_001271427.2, NM_001271428.2); c.1784C>G, p.Pro595Arg (NM_001271429.2); c.1859C>G, p.Pro620Arg (NM_001375820.1); c.1856C>G, p.Pro619Arg (NM_001375821.1); short protein forms P620R, P616R, P617R, P595R, P619R.
Identifiers: ClinVar variation 3683771 (VCV003683771.2).